The following is an entry in ClinVar:

ClinVar aggregate classification (germline): Uncertain significance. Review status: criteria provided, multiple submitters, no conflicts (2 of 4 stars). 5 submissions from 5 submitters: Uncertain significance (5). Last evaluated 2025-02-11.

Conditions:
Colorectal cancer, susceptibility to, 1. Also called: COLORECTAL ADENOMA AND CANCER, SUSCEPTIBILITY TO; COLORECTAL CANCER, SUSCEPTIBILITY TO, ON CHROMOSOME 9. Identifiers: MedGen C1837315, MONDO:0012132, OMIM 608812.

Allele frequency attached by ClinVar (database versions not stated): TOPMed 0.00001.
gnomAD v4.1: 5 of 1,574,714 alleles (0.00032%); highest among the groups gnomAD compares: Admixed American, 0.0036%; no homozygotes.

Submissions (5):

Ambry Genetics
Classification: Uncertain significance. Last evaluated: 2025-02-11. Review status: criteria provided, single submitter. Criteria: Ambry Variant Classification Scheme 2023. Collection method: clinical testing. Allele origin: germline.
Comment: The p.R110L variant (also known as c.329G>T), located in coding exon 1 of the GALNT12 gene, results from a G to T substitution at nucleotide position 329. The arginine at codon 110 is replaced by leucine, an amino acid with dissimilar properties. This amino acid position is well conserved in available vertebrate species. In addition, this alteration is predicted to be tolerated by in silico analysis. Since supporting evidence is limited at this time, the clinical significance of this alteration remains unclear.

Quest Diagnostics Nichols Institute San Juan Capistrano
Classification: Uncertain significance. Last evaluated: 2025-01-10. Review status: criteria provided, single submitter. Criteria: Quest Diagnostics criteria. Collection method: clinical testing. Allele origin: unknown.
Comment: The GALNT12 c.329G>T (p.Arg110Leu) variant has not been reported in individuals with GALNT12-related conditions in the published literature. The frequency of this variant in the general population (Genome Aggregation Database) is higher than would generally be expected for pathogenic variants in this gene. Analysis of this variant using bioinformatics tools for the prediction of the effect of amino acid changes on protein structure and function yielded predictions that this variant is benign. Based on the available information, we are unable to determine the clinical significance of this variant.

Fulgent Genetics
Classification: Uncertain significance for Colorectal cancer, susceptibility to, 1. Last evaluated: 2024-05-16. Review status: criteria provided, single submitter. Criteria: ACMG Guidelines, 2015. Collection method: clinical testing. Allele origin: germline.

Baylor Genetics
Classification: Uncertain significance for Colorectal cancer, susceptibility to, 1. Last evaluated: 2023-10-24. Review status: criteria provided, single submitter. Criteria: ACMG Guidelines, 2015. Collection method: clinical testing. Allele origin: unknown.

Labcorp Genetics (formerly Invitae), Labcorp
Classification: Uncertain significance. Last evaluated: 2023-03-18. Review status: criteria provided, single submitter. Criteria: Invitae Variant Classification Sherloc (09022015). Collection method: clinical testing. Allele origin: germline.
Comment: This sequence change replaces arginine, which is basic and polar, with leucine, which is neutral and non-polar, at codon 110 of the GALNT12 protein (p.Arg110Leu). The frequency data for this variant in the population databases is considered unreliable, as metrics indicate poor data quality at this position in the gnomAD database. This variant has not been reported in the literature in individuals affected with GALNT12-related conditions. ClinVar contains an entry for this variant (Variation ID: 485687). Advanced modeling of protein sequence and biophysical properties (such as structural, functional, and spatial information, amino acid conservation, physicochemical variation, residue mobility, and thermodynamic stability) performed at Invitae indicates that this missense variant is not expected to disrupt GALNT12 protein function. In summary, the available evidence is currently insufficient to determine the role of this variant in disease. Therefore, it has been classified as a Variant of Uncertain Significance.

NM_024642.5(GALNT12):c.329G>T (p.Arg110Leu)

Gene: GALNT12 (polypeptide N-acetylgalactosaminyltransferase 12; plus strand). Cytogenetic location: 9q22.33.
Variant type: single nucleotide variant.
Coding change: c.329G>T on transcript NM_024642.5 (MANE Select); coding-DNA position 329, G replaced by T.
Protein change: p.Arg110Leu; replaces arginine 110 with leucine.
Molecular consequence: missense variant.
Genome position (GRCh38, 1-based): chr9:98,808,027, G>T. VCF-style: chr9-98808027-G-T. GRCh37 (hg19) VCF-style: chr9-101570309-G-T.
Other names: short protein forms R110L.
Identifiers: ClinVar variation 485687 (VCV000485687.18), dbSNP rs374994372, ClinGen allele CA5153913.